The following is an entry in ClinVar:

NM_001184.4(ATR):c.361A>C (p.Lys121Gln)

Gene: ATR (ATR checkpoint kinase; minus strand). Cytogenetic location: 3q23.
Variant type: single nucleotide variant.
Coding change: c.361A>C on transcript NM_001184.4 (MANE Select); coding-DNA position 361, A replaced by C.
Protein change: p.Lys121Gln; replaces lysine 121 with glutamine.
Molecular consequence: missense variant.
Genome position (GRCh38, 1-based): chr3:142,563,041, T>G on the plus strand (A>C on the coding strand, the complement: ATR is on the minus strand). VCF-style: chr3-142563041-T-G. GRCh37 (hg19) VCF-style: chr3-142281883-T-G.
Other names: c.361A>C, p.Lys121Gln (NM_001354579.2); short protein forms K121Q.
Identifiers: ClinVar variation 2496641 (VCV002496641.2), dbSNP rs756325655, ClinGen allele CA354827295.

ClinVar aggregate classification (germline): Uncertain significance (1 of 4 stars; one submission).

Conditions:
Inborn genetic diseases. Identifiers: MedGen C0950123, MeSH D030342.

Submission:

Ambry Genetics
Classification: Uncertain significance for Inborn genetic diseases. Last evaluated: 2022-11-17. Review status: criteria provided, single submitter. Criteria: Ambry Variant Classification Scheme 2023. Collection method: clinical testing. Allele origin: germline.
Comment: The p.K121Q variant (also known as c.361A>C), located in coding exon 4 of the ATR gene, results from an A to C substitution at nucleotide position 361. The lysine at codon 121 is replaced by glutamine, an amino acid with similar properties. This amino acid position is conserved. In addition, this alteration is predicted to be tolerated by in silico analysis. Since supporting evidence is limited at this time, the clinical significance of this alteration remains unclear.